The following is an entry in ClinVar:

NM_018474.6(KIZ):c.925A>G (p.Ile309Val)

Gene: KIZ (kizuna centrosomal protein; plus strand). Cytogenetic location: 20p11.23.
Variant type: single nucleotide variant.
Coding change: c.925A>G on transcript NM_018474.6 (MANE Select); coding-DNA position 925, A replaced by G.
Protein change: p.Ile309Val; replaces isoleucine 309 with valine.
Molecular consequence: missense variant.
Genome position (GRCh38, 1-based): chr20:21,162,390, A>G. VCF-style: chr20-21162390-A-G. GRCh37 (hg19) VCF-style: chr20-21143031-A-G.
Other names: c.616A>G, p.Ile206Val (NM_001163022.3, NM_001352435.2); c.526A>G, p.Ile176Val (NM_001163023.3); c.778A>G, p.Ile260Val (NM_001276389.2); c.925A>G, p.Ile309Val (NM_001352434.2); c.583A>G, p.Ile195Val (NM_001352436.2); c.925A>G (NM_018474.4); short protein forms I260V, I206V, I176V, I195V, I309V.
Identifiers: ClinVar variation 1436913 (VCV001436913.12), dbSNP rs181816823, ClinGen allele CA9784734.
Genomic context (GRCh38, chr20:21,162,390, plus strand): 5'-ACTGATTTAAAGTGTGACAGTTCCAGCGGATCAGAGGGAGAAATACTGACACGGGAACAT[A>G]TTGAAGTTGAGGAAAAAAGAGCCAGCCCGCCAGTCTCTCCGATACCAGTTTCAGAATACT-3'
Protein context (NP_060944.3, residues 299-319): SEGEILTREH[Ile309Val]EVEEKRASPP

ClinVar aggregate classification (germline): Uncertain significance. Review status: criteria provided, multiple submitters, no conflicts (2 of 4 stars). 3 submissions from 3 submitters: Uncertain significance (3). Last evaluated 2024-10-23.

Allele frequency attached by ClinVar (database versions not stated): gnomAD 0.00001; gnomAD exomes 0.00001 and 0.00002; TOPMed 0.00001; ExAC 0.00003; 1000 Genomes Project 30x 0.00016; 1000 Genomes Project 0.00020.
gnomAD v4.1: 15 of 1,613,674 alleles (0.00093%); highest among the groups gnomAD compares: African/African-American, 0.0027%; no homozygotes.

Submissions (3):

Labcorp Genetics (formerly Invitae), Labcorp
Classification: Uncertain significance. Last evaluated: 2024-10-23. Review status: criteria provided, single submitter. Criteria: Invitae Variant Classification Sherloc (09022015). Collection method: clinical testing. Allele origin: germline.
Comment: This sequence change replaces isoleucine, which is neutral and non-polar, with valine, which is neutral and non-polar, at codon 309 of the KIZ protein (p.Ile309Val). This variant is present in population databases (rs181816823, gnomAD 0.007%). This missense change has been observed in individual(s) with clinical features of retinal dystrophy (internal data). ClinVar contains an entry for this variant (Variation ID: 1436913). Experimental studies and prediction algorithms are not available or were not evaluated, and the functional significance of this variant is currently unknown. In summary, the available evidence is currently insufficient to determine the role of this variant in disease. Therefore, it has been classified as a Variant of Uncertain Significance.

Blueprint Genetics
Classification: Uncertain significance. Last evaluated: 2024-01-22. Review status: criteria provided, single submitter. Criteria: ACMG Guidelines, 2015. Collection method: clinical testing. Allele origin: germline.

Ambry Genetics
Classification: Uncertain significance. Last evaluated: 2021-08-30. Review status: criteria provided, single submitter. Criteria: Ambry Variant Classification Scheme 2023. Collection method: clinical testing. Allele origin: germline.